The following is an entry in ClinVar:

ClinVar aggregate classification (germline): Uncertain significance. Review status: criteria provided, multiple submitters, no conflicts (2 of 4 stars). 2 submissions from 2 submitters: Uncertain significance (2). Last evaluated 2024-09-05.

Allele frequency attached by ClinVar (database versions not stated): gnomAD exomes 0.00001; ExAC 0.00002; TOPMed 0.00002; gnomAD 0.00006; 1000 Genomes Project 0.00060; 1000 Genomes Project 30x 0.00062.
gnomAD v4.1: 25 of 1,613,840 alleles (0.0015%); highest among the groups gnomAD compares: Admixed American, 0.038%; no homozygotes.

Submissions (2):

Women's Health and Genetics/Laboratory Corporation of America, LabCorp
Classification: Uncertain significance. Last evaluated: 2024-09-05. Review status: criteria provided, single submitter. Criteria: LabCorp Variant Classification Summary - May 2015. Collection method: clinical testing. Allele origin: germline.
Comment: Variant summary: RASGRP2 c.319C>A (p.Leu107Ile) results in a conservative amino acid change located in the Ras-like guanine nucleotide exchange factor, N-terminal domain (IPR000651) of the encoded protein sequence. Four of five in-silico tools predict a benign effect of the variant on protein function. The variant allele was found at a frequency of 2.4e-05 in 251344 control chromosomes. The available data on variant occurrences in the general population are insufficient to allow any conclusion about variant significance. To our knowledge, no occurrence of c.319C>A in individuals affected with Platelet-Type Bleeding Disorder 18 and no experimental evidence demonstrating its impact on protein function have been reported. ClinVar contains an entry for this variant (Variation ID: 2418127). Based on the evidence outlined above, the variant was classified as uncertain significance.

Labcorp Genetics (formerly Invitae), Labcorp
Classification: Uncertain significance. Last evaluated: 2022-07-31. Review status: criteria provided, single submitter. Criteria: Invitae Variant Classification Sherloc (09022015). Collection method: clinical testing. Allele origin: germline.
Comment: This sequence change replaces leucine, which is neutral and non-polar, with isoleucine, which is neutral and non-polar, at codon 107 of the RASGRP2 protein (p.Leu107Ile). This variant is present in population databases (rs556398819, gnomAD 0.01%). This variant has not been reported in the literature in individuals affected with RASGRP2-related conditions. Algorithms developed to predict the effect of missense changes on protein structure and function (SIFT, PolyPhen-2, Align-GVGD) all suggest that this variant is likely to be tolerated. In summary, the available evidence is currently insufficient to determine the role of this variant in disease. Therefore, it has been classified as a Variant of Uncertain Significance.

NM_001098671.2(RASGRP2):c.319C>A (p.Leu107Ile)

Gene: RASGRP2 (RAS guanyl releasing protein 2; minus strand). Cytogenetic location: 11q13.1.
Variant type: single nucleotide variant.
Coding change: c.319C>A on transcript NM_001098671.2 (MANE Select); coding-DNA position 319, C replaced by A.
Protein change: p.Leu107Ile; replaces leucine 107 with isoleucine.
Molecular consequence: missense variant. On other transcripts: 5 prime UTR variant (1).
Genome position (GRCh38, 1-based): chr11:64,741,000, G>T on the plus strand (C>A on the coding strand, the complement: RASGRP2 is on the minus strand). VCF-style: chr11-64741000-G-T. GRCh37 (hg19) VCF-style: chr11-64508472-G-T.
Other names: c.319C>A, p.Leu107Ile (NM_001098670.2, NM_153819.2); c.-117C>A (NM_001318398.2); short protein forms L107I.
Identifiers: ClinVar variation 2418127 (VCV002418127.4), dbSNP rs556398819, ClinGen allele CA6079310.
Genomic context (GRCh38, chr11:64,741,000, plus strand): 5'-CCACGCACACGCTGTCTATGTCGATTAGGCTGCTGTGCCGTCGGTTCCCTTCTTGGTCTA[G>T]CAGAGCCTTCAGCTCCTTGATCTGCTCAGCCAACTCCGGGTTCAAGTCAAACTCCGCTGG-3'
Protein context (NP_001092141.1, residues 97-117): AEQIKELKAL[Leu107Ile]DQEGNRRHSS